The following is an entry in ClinVar:

NM_004304.5(ALK):c.2302G>C (p.Asp768His)

Gene: ALK (ALK receptor tyrosine kinase; minus strand). Cytogenetic location: 2p23.2.
Variant type: single nucleotide variant.
Coding change: c.2302G>C on transcript NM_004304.5 (MANE Select); coding-DNA position 2302, G replaced by C.
Protein change: p.Asp768His; replaces aspartic acid 768 with histidine.
Molecular consequence: missense variant.
Genome position (GRCh38, 1-based): chr2:29,239,733, C>G on the plus strand (G>C on the coding strand, the complement: ALK is on the minus strand). VCF-style: chr2-29239733-C-G. GRCh37 (hg19) VCF-style: chr2-29462599-C-G.
Other names: short protein forms D768H.
Identifiers: ClinVar variation 2810185 (VCV002810185.3), dbSNP rs766666105, ClinGen allele CA346474402.
Genomic context (GRCh38, chr2:29,239,733, plus strand): 5'-CACTTACACTGGGGCAGGCGTCCTCTCCCTGCTGCCCAACCAGGATGTACAGCATGTCAT[C>G]CTTCTCCAGGTTGAAGATGCCCAGCACAGACACGCCGTGGGACCGCATCATGGTGTTCTT-3'
Protein context (NP_004295.2, residues 758-778): SVLGIFNLEK[Asp768His]DMLYILVGQQ

ClinVar aggregate classification (germline): Uncertain significance (1 of 4 stars; one submission).

Conditions:
Neuroblastoma, susceptibility to, 3. Also called: ALK-Related Neuroblastic Tumor Susceptibility. Identifiers: Orphanet 635, MedGen C2751681, MONDO:0013083, OMIM 613014.

Submission:

Labcorp Genetics (formerly Invitae), Labcorp
Classification: Uncertain significance for Neuroblastoma, susceptibility to, 3. Last evaluated: 2022-10-27. Review status: criteria provided, single submitter. Criteria: Invitae Variant Classification Sherloc (09022015). Collection method: clinical testing. Allele origin: germline.
Comment: This variant has not been reported in the literature in individuals affected with ALK-related conditions. In summary, the available evidence is currently insufficient to determine the role of this variant in disease. Therefore, it has been classified as a Variant of Uncertain Significance. Algorithms developed to predict the effect of missense changes on protein structure and function are either unavailable or do not agree on the potential impact of this missense change (SIFT: "Tolerated"; PolyPhen-2: "Possibly Damaging"; Align-GVGD: "Class C0"). This variant is not present in population databases (gnomAD no frequency). This sequence change replaces aspartic acid, which is acidic and polar, with histidine, which is basic and polar, at codon 768 of the ALK protein (p.Asp768His).